The following is an entry in ClinVar:

NM_001042492.3(NF1):c.5958dup (p.Gln1987fs)

Gene: NF1 (neurofibromin 1; plus strand). Cytogenetic location: 17q11.2.
Variant type: Duplication.
Coding change: c.5958dup on transcript NM_001042492.3 (MANE Select); coding-DNA position 5958, one base duplicated (A; older notation c.5958dupA).
Protein change: p.Gln1987fs; shifts the reading frame from glutamine 1987.
Molecular consequence: frameshift variant.
Genome position (GRCh38, 1-based): chr17:31,334,983, A duplicated; the last of 5 consecutive A bases (chr17:31,334,979-31,334,983); duplicating any one gives the same sequence. VCF-style (leftmost placement, unchanged base first): chr17-31334978-G-GA. GRCh37 (hg19) VCF-style: chr17-29661996-G-GA.
Other names: c.5895dup, p.Gln1966Thrfs (NM_000267.4); short protein forms Q1966fs, Q1987fs.
Identifiers: ClinVar variation 954630 (VCV000954630.3), dbSNP rs2069607664, ClinGen allele CA1139665399.

ClinVar aggregate classification (germline): Pathogenic. Review status: criteria provided, multiple submitters, no conflicts (2 of 4 stars). 3 submissions from 3 submitters: Pathogenic (3). Last evaluated 2025-06-24.

Conditions:
Neurofibromatosis, type 1 (NF1). Also called: VON RECKLINGHAUSEN DISEASE; NEUROFIBROMATOSIS, TYPE I, SOMATIC; Neurofibromatosis, type I; Peripheral type neurofibromatosis. Identifiers: Orphanet 636, MedGen C0027831, MONDO:0018975, OMIM 162200. Disease mechanism: loss of function.

Submissions (3):

3billion
Classification: Pathogenic for Neurofibromatosis, type 1. Last evaluated: 2025-06-24. Review status: criteria provided, single submitter. Criteria: ACMG Guidelines, 2015. Collection method: clinical testing. Allele origin: germline. Affected: yes.
Comment: The variant is not observed in the gnomAD v4.1.0 dataset. Predicted Consequence/Location: Frameshift: predicted to result in a loss or disruption of normal protein function through nonsense-mediated decay (NMD) or protein truncation. Multiple pathogenic variants are reported downstream of the variant. The variant has been reported at least twice as pathogenic with clinical assertions and evidence for the classification (ClinVar ID: VCV000954630 /PMID: 34418705). Therefore, this variant is classified as Pathogenic according to the recommendation of ACMG/AMP guideline.

Clinical Genomics Laboratory, Washington University in St. Louis
Classification: Pathogenic for Neurofibromatosis, type 1. Last evaluated: 2024-12-26. Review status: criteria provided, single submitter. Criteria: Leon-Quintero et al. (Clin Genet. 2025). Collection method: clinical testing. Allele origin: somatic. Affected: yes.
Comment: An NF1 c.5958dup (p.Gln1987Thrfs*22) variant was identified at an allelic fraction consistent with somatic origin. This variant, to our knowledge, has not been reported in the medical literature. It is absent from the general population (gnomAD v.4.1.0), indicating it is not a common variant. It has been reported in the ClinVar database as a germline pathogenic variant by one submitter (ClinVar variation ID: 954630). The NF1 c.5958dup (p.Gln1987Thrfs*22) variant causes a frameshift by duplicating 1 nucleotide, leading to a premature termination codon, which is predicted to lead to nonsense mediated decay. Based on available information and an internally developed protocol informed by the ACMG/AMP guidelines for variant interpretation (Leon-Quintero FZ et al., PMID: 39434542), the NF1 c.5958dup (p.Gln1987Thrfs*22) variant is classified as pathogenic.

Labcorp Genetics (formerly Invitae), Labcorp
Classification: Pathogenic for Neurofibromatosis, type 1. Last evaluated: 2019-09-16. Review status: criteria provided, single submitter. Criteria: Invitae Variant Classification Sherloc (09022015). Collection method: clinical testing. Allele origin: germline.
Comment: This sequence change creates a premature translational stop signal (p.Gln1966Thrfs*22) in the NF1 gene. It is expected to result in an absent or disrupted protein product. This variant is not present in population databases (ExAC no frequency). Loss-of-function variants in NF1 are known to be pathogenic (PMID: 10712197, 23913538). For these reasons, this variant has been classified as Pathogenic.

Literature cited by the submitters: PubMed 34418705 (cited by 3billion).